The following is an entry in ClinVar:

NM_001386795.1(DTNA):c.131T>C (p.Val44Ala)

Genes: DTNA (dystrobrevin alpha; plus strand), DTNA-AS1 (DTNA antisense RNA 1; minus strand). Cytogenetic location: 18q12.1.
Variant type: single nucleotide variant.
Coding change: c.131T>C on transcript NM_001386795.1 (MANE Select); coding-DNA position 131, T replaced by C.
Protein change: p.Val44Ala; replaces valine 44 with alanine.
Molecular consequence: missense variant.
Genome position (GRCh38, 1-based): chr18:34,766,024, T>C. VCF-style: chr18-34766024-T-C. GRCh37 (hg19) VCF-style: chr18-32345988-T-C.
Other names: c.131T>C, p.Val44Ala (NM_001128175.2, NM_001198938.2, NM_001198939.2 and 35 more transcripts); short protein forms V44A.
Identifiers: ClinVar variation 4743073 (VCV004743073.1).
Genomic context (GRCh38, chr18:34,766,024, plus strand): 5'-CTCAAGATCTGGATCGCATCCGACTCTCCACCTACAGAACAGCATGCAAGCTTAGGTTTG[T>C]TCAGAAGAAATGCAATTGTAAGTATGCCAGTTGTTTGGACTAATTACCATCATGAATCCT-3'
Protein context (NP_001373724.1, residues 34-54): TYRTACKLRF[Val44Ala]QKKCNLHLVD

ClinVar aggregate classification (germline): Uncertain significance (1 of 4 stars; one submission).

Conditions:
Left ventricular noncompaction 1 (LVNC1). Also called: LEFT VENTRICULAR NONCOMPACTION 1 WITH OR WITHOUT CONGENITAL HEART DEFECTS. Identifiers: Orphanet 54260, MedGen C1858725, MONDO:0011403, OMIM 604169.

gnomAD v4.1: 2 of 1,613,796 alleles (0.00012%); highest among the groups gnomAD compares: African/African-American, 0.0027%; no homozygotes.

Submission:

Labcorp Genetics (formerly Invitae), Labcorp
Classification: Uncertain significance for Left ventricular noncompaction 1. Last evaluated: 2025-02-12. Review status: criteria provided, single submitter. Criteria: Invitae Variant Classification Sherloc (09022015). Collection method: clinical testing. Allele origin: germline.
Comment: This sequence change replaces valine, which is neutral and non-polar, with alanine, which is neutral and non-polar, at codon 44 of the DTNA protein (p.Val44Ala). This variant is not present in population databases (gnomAD no frequency). This variant has not been reported in the literature in individuals affected with DTNA-related conditions. Invitae Evidence Modeling of protein sequence and biophysical properties (such as structural, functional, and spatial information, amino acid conservation, physicochemical variation, residue mobility, and thermodynamic stability) indicates that this missense variant is not expected to disrupt DTNA protein function with a negative predictive value of 80%. In summary, the available evidence is currently insufficient to determine the role of this variant in disease. Therefore, it has been classified as a Variant of Uncertain Significance.